The following is an entry in ClinVar:

NM_032638.5(GATA2):c.1421G>C (p.Ser474Thr)

Gene: GATA2 (GATA binding protein 2; minus strand). Cytogenetic location: 3q21.3.
Variant type: single nucleotide variant.
Coding change: c.1421G>C on transcript NM_032638.5 (MANE Select); coding-DNA position 1421, G replaced by C.
Protein change: p.Ser474Thr; replaces serine 474 with threonine.
Molecular consequence: missense variant.
Genome position (GRCh38, 1-based): chr3:128,481,041, C>G on the plus strand (G>C on the coding strand, the complement: GATA2 is on the minus strand). VCF-style: chr3-128481041-C-G. GRCh37 (hg19) VCF-style: chr3-128199884-C-G.
Other names: c.1421G>C, p.Ser474Thr (NM_001145661.2); c.1379G>C, p.Ser460Thr (NM_001145662.1); short protein forms S460T, S474T.
Identifiers: ClinVar variation 1958439 (VCV001958439.6), dbSNP rs1228557730, ClinGen allele CA354412442.

ClinVar aggregate classification (germline): Uncertain significance. Review status: criteria provided, multiple submitters, no conflicts (2 of 4 stars). 2 submissions from 2 submitters: Uncertain significance (2). Last evaluated 2026-07-07.

Conditions:
Inborn genetic diseases. Identifiers: MedGen C0950123, MeSH D030342.
Deafness-lymphedema-leukemia syndrome. Also called: Lymphedema, primary, with myelodysplasia; Emberger syndrome. Identifiers: Orphanet 3226, MedGen C3279664, MONDO:0013540, OMIM 614038.
Monocytopenia with susceptibility to infections. Also called: MONOCYTOPENIA AND MYCOBACTERIAL INFECTION SYNDROME; MONOCYTOPENIA WITH SUSCEPTIBILITY TO MYCOBACTERIAL, FUNGAL, AND PAPILLOMAVIRUS INFECTIONS AND MYELODYSPLASIA; COMBINED IMMUNODEFICIENCY WITH SUSCEPTIBILITY TO MYCOBACTERIAL, VIRAL, AND FUNGAL INFECTIONS; Dendritic cell, monocyte, B lymphocyte, and natural killer lymphocyte deficiency; IMMUNODEFICIENCY 21; GATA2 DEFICIENCY. Identifiers: Orphanet 228423, MedGen C3280030, MONDO:0013607, OMIM 614172.

Allele frequency attached by ClinVar (database versions not stated): TOPMed 0.00001.

Submissions (2):

Ambry Genetics
Classification: Uncertain significance for Inborn genetic diseases. Last evaluated: 2026-07-07. Review status: criteria provided, single submitter. Criteria: Ambry Variant Classification Scheme 2023. Collection method: clinical testing. Allele origin: germline.
Comment: The p.S474T variant (also known as c.1421G>C), located in coding exon 5 of the GATA2 gene, results from a G to C substitution at nucleotide position 1421. The serine at codon 474 is replaced by threonine, an amino acid with similar properties. This amino acid position is well conserved in available vertebrate species. In addition, the in silico prediction for this alteration is inconclusive. Based on the available evidence, the clinical significance of this variant remains unclear.

Labcorp Genetics (formerly Invitae), Labcorp
Classification: Uncertain significance for Monocytopenia with susceptibility to infections; Deafness-lymphedema-leukemia syndrome. Last evaluated: 2022-07-05. Review status: criteria provided, single submitter. Criteria: Invitae Variant Classification Sherloc (09022015). Collection method: clinical testing. Allele origin: germline.
Comment: This variant has not been reported in the literature in individuals affected with GATA2-related conditions. This variant is not present in population databases (gnomAD no frequency). This sequence change replaces serine, which is neutral and polar, with threonine, which is neutral and polar, at codon 474 of the GATA2 protein (p.Ser474Thr). Algorithms developed to predict the effect of missense changes on protein structure and function are either unavailable or do not agree on the potential impact of this missense change (SIFT: "Tolerated"; PolyPhen-2: "Probably Damaging"; Align-GVGD: "Class C0"). In summary, the available evidence is currently insufficient to determine the role of this variant in disease. Therefore, it has been classified as a Variant of Uncertain Significance.